The following is an entry in ClinVar:

ClinVar aggregate classification (germline): Uncertain significance (1 of 4 stars; one submission).

Conditions:
Developmental and epileptic encephalopathy, 30 (DEE30). Also called: Epileptic encephalopathy, early infantile, 30. Identifiers: MedGen C4225360, MONDO:0014595, OMIM 616341.

Allele frequency attached by ClinVar (database versions not stated): gnomAD exomes 0.00001.

Submission:

Labcorp Genetics (formerly Invitae), Labcorp
Classification: Uncertain significance for Developmental and epileptic encephalopathy, 30. Last evaluated: 2025-04-26. Review status: criteria provided, single submitter. Criteria: Invitae Variant Classification Sherloc (09022015). Collection method: clinical testing. Allele origin: germline.
Comment: This sequence change replaces arginine, which is basic and polar, with tryptophan, which is neutral and slightly polar, at codon 365 of the SIK1 protein (p.Arg365Trp). The frequency data for this variant in the population databases is considered unreliable, as metrics indicate poor data quality at this position in the gnomAD database. This variant has not been reported in the literature in individuals affected with SIK1-related conditions. ClinVar contains an entry for this variant (Variation ID: 944949). Invitae Evidence Modeling of protein sequence and biophysical properties (such as structural, functional, and spatial information, amino acid conservation, physicochemical variation, residue mobility, and thermodynamic stability) indicates that this missense variant is not expected to disrupt SIK1 protein function with a negative predictive value of 95%. In summary, the available evidence is currently insufficient to determine the role of this variant in disease. Therefore, it has been classified as a Variant of Uncertain Significance.

NM_173354.5(SIK1):c.1093C>T (p.Arg365Trp)

Gene: SIK1 (salt inducible kinase 1; minus strand). Cytogenetic location: 21q22.3.
Variant type: single nucleotide variant.
Coding change: c.1093C>T on transcript NM_173354.5 (MANE Select); coding-DNA position 1093, C replaced by T.
Protein change: p.Arg365Trp; replaces arginine 365 with tryptophan.
Molecular consequence: missense variant.
Genome position (GRCh38, 1-based): chr21:43,419,885, G>A on the plus strand (C>T on the coding strand, the complement: SIK1 is on the minus strand). VCF-style: chr21-43419885-G-A. GRCh37 (hg19) VCF-style: chr21-44839765-G-A.
Other names: short protein forms R365W.
Identifiers: ClinVar variation 944949 (VCV000944949.7), dbSNP rs1296194659, ClinGen allele CA410608756.